The following is an entry in ClinVar:

NM_000747.3(CHRNB1):c.340G>A (p.Val114Met)

Gene: CHRNB1 (cholinergic receptor nicotinic beta 1 subunit; plus strand). Cytogenetic location: 17p13.1.
Variant type: single nucleotide variant.
Coding change: c.340G>A on transcript NM_000747.3 (MANE Select); coding-DNA position 340, G replaced by A.
Protein change: p.Val114Met; replaces valine 114 with methionine.
Molecular consequence: missense variant.
Genome position (GRCh38, 1-based): chr17:7,446,929, G>A. VCF-style: chr17-7446929-G-A. GRCh37 (hg19) VCF-style: chr17-7350248-G-A.
Other names: short protein forms V114M.
Identifiers: ClinVar variation 575763 (VCV000575763.34), dbSNP rs149433073, ClinGen allele CA8347721.

ClinVar aggregate classification (germline): Uncertain significance. Review status: criteria provided, multiple submitters, no conflicts (2 of 4 stars). 6 submissions from 6 submitters: Uncertain significance (6). Last evaluated 2025-09-29.

Conditions:
Congenital myasthenic syndrome 2A. Also called: Myasthenic syndrome, congenital, 2a, slow-channel. Identifiers: Orphanet 590, MedGen C4225374, MONDO:0014581, OMIM 616313.
Inborn genetic diseases. Identifiers: MedGen C0950123, MeSH D030342.
Congenital myasthenic syndrome 4C (CMS4C). Also called: Myasthenic syndrome, congenital, associated with acetylcholine receptor deficiency. Identifiers: Orphanet 590, MedGen C1837091, MONDO:0012157, OMIM 608931.

Allele frequency attached by ClinVar (database versions not stated): TOPMed 0.00019; gnomAD 0.00023 and 0.00024; gnomAD exomes 0.00025; ExAC 0.00027; ESP Exome Variant Server 0.00031.

Submissions (6):

GeneDx
Classification: Uncertain significance. Last evaluated: 2025-09-29. Review status: criteria provided, single submitter. Criteria: GeneDx Variant Classification Process June 2021. Collection method: clinical testing. Allele origin: germline.
Comment: In silico analysis supports that this missense variant has a deleterious effect on protein structure/function; Has not been previously published as pathogenic or benign to our knowledge

Labcorp Genetics (formerly Invitae), Labcorp
Classification: Uncertain significance for Congenital myasthenic syndrome 2A. Last evaluated: 2024-11-21. Review status: criteria provided, single submitter. Criteria: Invitae Variant Classification Sherloc (09022015). Collection method: clinical testing. Allele origin: germline.
Comment: This sequence change replaces valine, which is neutral and non-polar, with methionine, which is neutral and non-polar, at codon 114 of the CHRNB1 protein (p.Val114Met). This variant is present in population databases (rs149433073, gnomAD 0.05%). This variant has not been reported in the literature in individuals affected with CHRNB1-related conditions. ClinVar contains an entry for this variant (Variation ID: 575763). Invitae Evidence Modeling of protein sequence and biophysical properties (such as structural, functional, and spatial information, amino acid conservation, physicochemical variation, residue mobility, and thermodynamic stability) indicates that this missense variant is not expected to disrupt CHRNB1 protein function with a negative predictive value of 80%. In summary, the available evidence is currently insufficient to determine the role of this variant in disease. Therefore, it has been classified as a Variant of Uncertain Significance.

CeGaT Center for Human Genetics Tuebingen
Classification: Uncertain significance. Last evaluated: 2024-06-01. Review status: criteria provided, single submitter. Criteria: CeGaT Center For Human Genetics Tuebingen Variant Classification Criteria Version 2. Collection method: clinical testing. Allele origin: germline. Affected: yes. Observed: 1 variant allele.
Comment: CHRNB1: PM2

Ambry Genetics
Classification: Uncertain significance for Inborn genetic diseases. Last evaluated: 2021-09-27. Review status: criteria provided, single submitter. Criteria: Ambry Variant Classification Scheme 2023. Collection method: clinical testing. Allele origin: germline.

Revvity Omics, Revvity
Classification: Uncertain significance. Last evaluated: 2020-01-17. Review status: criteria provided, single submitter. Criteria: ACMG Guidelines, 2015. Collection method: clinical testing. Allele origin: germline.

Illumina Laboratory Services, Illumina
Classification: Uncertain significance for Congenital myasthenic syndrome 4C. Last evaluated: 2017-04-27. Review status: criteria provided, single submitter. Criteria: ICSL Variant Classification Criteria 13 December 2019. Collection method: clinical testing. Allele origin: germline.